The following is an entry in ClinVar:

NM_014159.7(SETD2):c.772A>G (p.Thr258Ala)

Gene: SETD2 (SET domain containing 2, histone lysine methyltransferase; minus strand). Cytogenetic location: 3p21.31.
Variant type: single nucleotide variant.
Coding change: c.772A>G on transcript NM_014159.7 (MANE Select); coding-DNA position 772, A replaced by G.
Protein change: p.Thr258Ala; replaces threonine 258 with alanine.
Molecular consequence: missense variant. On other transcripts: non-coding transcript variant (1).
Genome position (GRCh38, 1-based): chr3:47,123,864, T>C on the plus strand (A>G on the coding strand, the complement: SETD2 is on the minus strand). VCF-style: chr3-47123864-T-C. GRCh37 (hg19) VCF-style: chr3-47165354-T-C.
Other names: c.640A>G, p.Thr214Ala (NM_001349370.3); short protein forms T214A, T258A.
Identifiers: ClinVar variation 2653751 (VCV002653751.24), dbSNP rs1308113254, ClinGen allele CA352534656.

ClinVar aggregate classification (germline): Likely benign (1 of 4 stars; one submission).

Allele frequency attached by ClinVar (database versions not stated): gnomAD exomes below 0.00001; TOPMed 0.00002; gnomAD 0.00003.
gnomAD v4.1: 5 of 1,551,312 alleles (0.00032%); highest among the groups gnomAD compares: African/African-American, 0.0068%; no homozygotes.

Submission:

CeGaT Center for Human Genetics Tuebingen
Classification: Likely benign. Last evaluated: 2023-09-01. Review status: criteria provided, single submitter. Criteria: CeGaT Center For Human Genetics Tuebingen Variant Classification Criteria Version 2. Collection method: clinical testing. Allele origin: germline. Affected: yes. Observed: 1 variant allele.
Comment: SETD2: BP4